The following is an entry in ClinVar:

ClinVar aggregate classification (germline): Uncertain significance (1 of 4 stars; one submission).

Allele frequency attached by ClinVar (database versions not stated): gnomAD exomes 0.00001 and 0.00002; TOPMed 0.00001; ExAC 0.00003; gnomAD 0.00003.
gnomAD v4.1: 27 of 1,614,102 alleles (0.0017%); highest among the groups gnomAD compares: Non-Finnish European, 0.0022%; no homozygotes.

Submission:

Labcorp Genetics (formerly Invitae), Labcorp
Classification: Uncertain significance. Last evaluated: 2022-04-06. Review status: criteria provided, single submitter. Criteria: Invitae Variant Classification Sherloc (09022015). Collection method: clinical testing. Allele origin: germline.
Comment: This sequence change replaces arginine, which is basic and polar, with glycine, which is neutral and non-polar, at codon 164 of the TYRP1 protein (p.Arg164Gly). This variant is present in population databases (rs530010397, gnomAD 0.004%). This missense change has been observed in individual(s) with oculocutaneous albinism (PMID: 27734839). Algorithms developed to predict the effect of missense changes on protein structure and function are either unavailable or do not agree on the potential impact of this missense change (SIFT: "Deleterious"; PolyPhen-2: "Probably Damaging"; Align-GVGD: "Class C0"). Algorithms developed to predict the effect of sequence changes on RNA splicing suggest that this variant may disrupt the consensus splice site. In summary, the available evidence is currently insufficient to determine the role of this variant in disease. Therefore, it has been classified as a Variant of Uncertain Significance.

Literature cited by the submitters: PubMed 27734839.

NM_000550.3(TYRP1):c.490A>G (p.Arg164Gly)

Gene: TYRP1 (tyrosinase related protein 1; plus strand). Cytogenetic location: 9p23.
Variant type: single nucleotide variant.
Coding change: c.490A>G on transcript NM_000550.3 (MANE Select); coding-DNA position 490, A replaced by G.
Protein change: p.Arg164Gly; replaces arginine 164 with glycine.
Molecular consequence: missense variant.
Genome position (GRCh38, 1-based): chr9:12,695,619, A>G. VCF-style: chr9-12695619-A-G. GRCh37 (hg19) VCF-style: chr9-12695619-A-G.
Other names: short protein forms R164G.
Identifiers: ClinVar variation 1405922 (VCV001405922.5), dbSNP rs530010397, ClinGen allele CA4985243.